The following is an entry in ClinVar:

NM_007198.4(PLPBP):c.329A>G (p.Asn110Ser)

Gene: PLPBP (pyridoxal phosphate binding protein; plus strand). Cytogenetic location: 8p11.23.
Variant type: single nucleotide variant.
Coding change: c.329A>G on transcript NM_007198.4 (MANE Select); coding-DNA position 329, A replaced by G.
Protein change: p.Asn110Ser; replaces asparagine 110 with serine.
Molecular consequence: missense variant.
Genome position (GRCh38, 1-based): chr8:37,772,764, A>G. VCF-style: chr8-37772764-A-G. GRCh37 (hg19) VCF-style: chr8-37630282-A-G.
Other names: c.329A>G (NM_007198.3); c.329A>G, p.Asn110Ser (NM_001349346.2); c.323A>G, p.Asn108Ser (NM_001349347.2); c.173A>G, p.Asn58Ser (NM_001349348.2); short protein forms N108S, N110S, N58S.
Identifiers: ClinVar variation 2068769 (VCV002068769.6), dbSNP rs370405023, ClinGen allele CA175037955.

ClinVar aggregate classification (germline): Uncertain significance. Review status: criteria provided, multiple submitters, no conflicts (2 of 4 stars). 2 submissions from 2 submitters: Uncertain significance (2). Last evaluated 2023-05-30.

Conditions:
Inborn genetic diseases. Identifiers: MedGen C0950123, MeSH D030342.

Allele frequency attached by ClinVar (database versions not stated): gnomAD 0.00001; ESP Exome Variant Server 0.00008; TOPMed 0.00002.
gnomAD v4.1: 6 of 1,614,168 alleles (0.00037%); highest among the groups gnomAD compares: East Asian, 0.0045%; no homozygotes.

Submissions (2):

Ambry Genetics
Classification: Uncertain significance for Inborn genetic diseases. Last evaluated: 2023-05-30. Review status: criteria provided, single submitter. Criteria: Ambry Variant Classification Scheme 2023. Collection method: clinical testing. Allele origin: germline.

Labcorp Genetics (formerly Invitae), Labcorp
Classification: Uncertain significance. Last evaluated: 2022-05-16. Review status: criteria provided, single submitter. Criteria: Invitae Variant Classification Sherloc (09022015). Collection method: clinical testing. Allele origin: germline.
Comment: This sequence change replaces asparagine, which is neutral and polar, with serine, which is neutral and polar, at codon 110 of the PROSC protein (p.Asn110Ser). This variant is present in population databases (rs370405023, gnomAD 0.01%). This variant has not been reported in the literature in individuals affected with PROSC-related conditions. Algorithms developed to predict the effect of missense changes on protein structure and function are either unavailable or do not agree on the potential impact of this missense change (SIFT: "Tolerated"; PolyPhen-2: "Possibly Damaging"; Align-GVGD: "Class C0"). Algorithms developed to predict the effect of sequence changes on RNA splicing suggest that this variant may create or strengthen a splice site. In summary, the available evidence is currently insufficient to determine the role of this variant in disease. Therefore, it has been classified as a Variant of Uncertain Significance.